The following is an entry in ClinVar:

ClinVar aggregate classification (germline): Conflicting classifications of pathogenicity. Review status: criteria provided, conflicting classifications (1 of 4 stars). 20 submissions from 20 submitters: Pathogenic (1); Uncertain significance (10); Likely benign (9). Last evaluated 2026-09-01.

Conditions:
ATM-related disorder. Also called: ATM-related disorders; ATM-related condition.
Hereditary cancer-predisposing syndrome. Also called: Neoplastic Syndromes, Hereditary; Hereditary Cancer Syndrome; Tumor predisposition; Hereditary neoplastic syndrome. Identifiers: Orphanet 140162, MedGen C0027672, MeSH D009386, MONDO:0015356.
Hereditary breast ovarian cancer syndrome. Also called: BRCA1- and BRCA2-Associated Hereditary Breast and Ovarian Cancer; Hereditary breast and ovarian cancer syndrome; Hereditary breast and ovarian cancer syndrome (HBOC); Hereditary breast and/or ovarian cancer syndrome; Hereditary breast and ovarian cancer; Breast and ovarian cancer. Identifiers: Orphanet 145, MedGen C0677776, MeSH D061325, MONDO:0003582. Disease mechanism: loss of function.
Familial cancer of breast. Also called: BREAST CANCER, FAMILIAL; hereditary breast carcinoma; Hereditary breast cancer. Identifiers: Orphanet 227535, MedGen C0346153, MONDO:0016419, OMIM 114480. Disease mechanism: loss of function.
Ataxia-telangiectasia syndrome (AT). Also called: Ataxia-telangiectasia, complementation group D; AT, COMPLEMENTATION GROUP C; Ataxia-telangiectasia; ATAXIA-TELANGIECTASIA, COMPLEMENTATION GROUP A; ATAXIA-TELANGIECTASIA, FRESNO VARIANT; Ataxia-telangiectasia, complementation group E. Identifiers: Orphanet 100, MedGen C0004135, MONDO:0008840, OMIM 208900.
Tip-toe gait. Also called: Toe walking. Identifiers: MedGen C0427144, HP:0030051.

Allele frequency attached by ClinVar (database versions not stated): gnomAD exomes 0.00010 and 0.00015; TOPMed 0.00012; gnomAD 0.00009; 1000 Genomes Project 30x 0.00016; 1000 Genomes Project 0.00020; ExAC 0.00011.
gnomAD v4.1: 223 of 1,613,998 alleles (0.014%); highest among the groups gnomAD compares: Non-Finnish European, 0.018%; no homozygotes.

Submissions 1 to 12 of 20:

CeGaT Center for Human Genetics Tuebingen
Classification: Likely benign. Last evaluated: 2026-09-01. Review status: criteria provided, single submitter. Criteria: CeGaT Center For Human Genetics Tuebingen Variant Classification Criteria Version 2. Collection method: clinical testing. Allele origin: germline. Affected: yes. Observed: 1 variant allele.
Comment: ATM: BP1, BS1:Supporting, BS3:Supporting

Institute for Biomarker Research, Medical Diagnostic Laboratories, L.L.C.
Classification: Uncertain significance for Hereditary cancer-predisposing syndrome. Last evaluated: 2026-02-02. Review status: criteria provided, single submitter. Criteria: ACMG Guidelines, 2015. Collection method: clinical testing. Allele origin: germline.
Comment: The missense variant NM_000051.4(ATM):c.6820G>A (p.Ala2274Thr) has not been reported previously as a benign variant, to our knowledge (Accession: VCV000135776.43). There is a small physicochemical difference between alanine and threonine, which is not likely to impact secondary protein structure as these residues share similar properties. The gene ATM has a low rate of benign missense variation as indicated by a high missense variants Z-Score of 2.52. The p.Ala2274Thr missense variant is predicted to be damaging by both SIFT and PolyPhen2. The alanine residue at codon 2274 of ATM is conserved in all mammalian species. The nucleotide c.6820 in ATM is predicted conserved by GERP++ and PhyloP across 100 vertebrates. For these reasons, this variant has been classified as Uncertain Significance.

Labcorp Genetics (formerly Invitae), Labcorp
Classification: Likely benign for Ataxia-telangiectasia syndrome. Last evaluated: 2026-01-26. Review status: criteria provided, single submitter. Criteria: Invitae Variant Classification Sherloc (09022015). Collection method: clinical testing. Allele origin: germline.

GeneDx
Classification: Uncertain significance. Last evaluated: 2025-07-30. Review status: criteria provided, single submitter. Criteria: GeneDx Variant Classification Process June 2021. Collection method: clinical testing. Allele origin: germline. Affected: yes.
Comment: Observed in individuals with ATM-related and other cancers, but also in unaffected controls (PMID: 11606401, 11805335, 18573109, 17393301, 19781682, 21933854, 23585524, 26689913, 26534844, 27449771, 28779002, 27978560, 28652578, 29522266, 29665859, 35264596); Published functional studies demonstrate no damaging effect: most show no or minimal impact on protein expression, kinase activity, ability to correct the radiosensitive phenotype of A-T cell lines, and levels of radiation-induced chromosome aberrations (PMID: 10023947, 11805335, 19431188); In silico analysis supports that this missense variant has a deleterious effect on protein structure/function; This variant is associated with the following publications: (PMID: 23585524, 10023947, 26787654, 16652348, 11606401, 19781682, 18573109, 21933854, 17393301, 12810666, 22529920, 15279808, 11805335, 19431188, 26534844, 27449771, 21787400, 27978560, 29665859, 28652578, 29522266, 33128190, 30613976, 36029002, 28779002, 26689913, elebi2022[article], 35264596, 23532176, 34262154, 34326862, 35534704, 37091313, Zurera2025[CaseReport])

Women's Health and Genetics/Laboratory Corporation of America, LabCorp
Classification: Likely benign. Last evaluated: 2025-03-03. Review status: criteria provided, single submitter. Criteria: LabCorp Variant Classification Summary - May 2015. Collection method: clinical testing. Allele origin: germline.
Comment: Variant summary: ATM c.6820G>A (p.Ala2274Thr) results in a non-conservative amino acid change in the encoded protein sequence. Four of five in-silico tools predict a damaging effect of the variant on protein function. The variant allele was found at a frequency of 0.00011 in 271674 control chromosomes, predominantly at a frequency of 0.00021 within the Non-Finnish European subpopulation in the gnomAD database. This frequency is not significantly higher than estimated for a pathogenic variant in ATM causing Breast Cancer (0.00011 vs 0.001), allowing no conclusion about variant significance. c.6820G>A has been reported in the literature in individuals with breast cancer (at least 5 patients), multiple myeloma (at least 1 patient) and at least 2 patients with chronic lymphocytic leukemia (example, Stankovic_1999, Dork_2001, Thorstenson_2003, Austen_2008, Broeks_2008, Tavtigian_2009, Skowronska_2011, Navrkalova_2012, Li_2016). In two reported HBOC families, this variant did not co-segregate with disease, suggesting a notion that it does not cause HBOC (Thorstenson_2003). However, the variants role as risk allele cannot be ruled out as the variant was found in a meta-analysis to be overrepresented in a patient population compared to a control population (Tavtigian_2009). These data do not allow any conclusion about variant significance. Multiple publications report experimental evidence evaluating an impact on protein function. These results showed no damaging effect of this variant as demonstrated by protein expression, kinase activity, and radiation-induced chromosome aberrations assays (Scott 2002, Barone 2009). The following publications have been ascertained in the context of this evaluation (PMID: 18573109, 19431188, 17393301, 11606401, 26534844, 23585524, 27978560, 11805335, 21933854, 10023947, 19781682, 12810666, 28652578, 27449771). ClinVar contains an entry for this variant (Variation ID: 135776). Based on the lack of actionable clinical and functional evidence outlined above, the variant was classified as likely benign.

PreventionGenetics, part of Exact Sciences
Classification: Likely benign for ATM-related condition. Last evaluated: 2024-12-11. Review status: criteria provided, single submitter. Criteria: ACMG Guidelines, 2015. Collection method: clinical testing. Allele origin: germline.
Comment: This variant is classified as likely benign based on ACMG/AMP sequence variant interpretation guidelines (Richards et al. 2015 PMID: 25741868, with internal and published modifications).

Quest Diagnostics Nichols Institute San Juan Capistrano
Classification: Uncertain significance. Last evaluated: 2024-09-25. Review status: criteria provided, single submitter. Criteria: Quest Diagnostics criteria. Collection method: clinical testing. Allele origin: unknown.

German Consortium for Hereditary Breast and Ovarian Cancer, University Hospital Cologne
Classification: Likely benign for Hereditary breast ovarian cancer syndrome. Last evaluated: 2024-09-09. Review status: criteria provided, single submitter. Criteria: ClinGen ATM V1.3.0. Collection method: curation. Allele origin: germline.
Comment: According to the ClinGen ACMG ATM v1.3.0 criteria we chose this criterion: BS3 (medium benign): Published functional studies demonstrate no damaging effect: most show no or minimal impact on protein expression, kinase activity, ability to correct the radiosensitive phenotype of A-T cell lines, and levels of radiation-induced chromosome aberrations (Stankovic et al., 1999; Scott et al., 2002; Barone et al., 2009) Paper_Andreassen: et al unpublished BS3_Str

Mayo Clinic Laboratories, Mayo Clinic
Classification: Uncertain significance. Last evaluated: 2024-09-09. Review status: criteria provided, single submitter. Criteria: ACMG Guidelines, 2015. Collection method: clinical testing. Allele origin: germline. Observed: 1 variant allele.
Comment: BS3

Myriad Genetics, Inc.
Classification: Likely benign for Familial cancer of breast. Last evaluated: 2024-06-12. Review status: criteria provided, single submitter. Criteria: Myriad Autosomal Dominant, Autosomal Recessive and X-Linked Classification Criteria (2023). Collection method: clinical testing. Allele origin: unknown.
Comment: This variant is considered likely benign. This variant is strongly associated with less severe personal and family histories of cancer, typical for individuals without pathogenic variants in this gene [PMID: 25085752].

Blueprint Genetics
Classification: Uncertain significance. Last evaluated: 2024-03-26. Review status: criteria provided, single submitter. Criteria: ACMG Guidelines, 2015. Collection method: clinical testing. Allele origin: germline.

Department of Pathology and Laboratory Medicine, Sinai Health System
Classification: Likely benign for Familial cancer of breast. Last evaluated: 2023-05-02. Review status: criteria provided, single submitter. Criteria: ACMG Guidelines, 2015. Collection method: clinical testing. Allele origin: germline. Affected: yes.

NM_000051.4(ATM):c.6820G>A (p.Ala2274Thr)

Genes: ATM (ATM serine/threonine kinase; plus strand), C11orf65 (chromosome 11 open reading frame 65; minus strand). Cytogenetic location: 11q22.3.
Variant type: single nucleotide variant.
Coding change: c.6820G>A on transcript NM_000051.4 (MANE Select); coding-DNA position 6820, G replaced by A.
Protein change: p.Ala2274Thr; replaces alanine 2274 with threonine.
Molecular consequence: missense variant. On other transcripts: intron variant (2).
Genome position (GRCh38, 1-based): chr11:108,326,070, G>A. VCF-style: chr11-108326070-G-A. GRCh37 (hg19) VCF-style: chr11-108196797-G-A.
Other names: p.A2274T:GCA>ACA; c.6820G>A, p.Ala2274Thr (NM_001351834.2); c.641-16999C>T (NM_001330368.2); c.*38+9150C>T (NM_001351110.2); short protein forms A2274T.
Identifiers: ClinVar variation 135776 (VCV000135776.47), dbSNP rs567060474, ClinGen allele CA298037.
Genomic context (GRCh38, chr11:108,326,070, plus strand): 5'-AGTATCAGTAGTAAAAGTATTTATTCCCATATGTCATTTTCATTTCAGCTCCCTGAAAGG[G>A]CAATATTTCAAATTAAACAGTACAATTCAGTTAGCTGTGGAGTCTCTGAGTGGCAGCTGG-3'
Protein context (NP_000042.3, residues 2264-2284): TFKNTQLPER[Ala2274Thr]IFQIKQYNSV